The following is an entry in ClinVar:

ClinVar aggregate classification (germline): Uncertain significance (1 of 4 stars; one submission).

Conditions:
Arthrogryposis, distal, type 1A. Also called: ARTHROGRYPOSIS MULTIPLEX CONGENITA, DISTAL, TYPE I. Identifiers: Orphanet 1146, MedGen C6022280, MONDO:0007157, OMIM 108120.

Allele frequency attached by ClinVar (database versions not stated): gnomAD exomes below 0.00001; ExAC 0.00001.
gnomAD v4.1: 2 of 1,614,182 alleles (0.00012%); highest among the groups gnomAD compares: Admixed American, 0.0033%; no homozygotes.

Submission:

Labcorp Genetics (formerly Invitae), Labcorp
Classification: Uncertain significance for Arthrogryposis, distal, type 1A. Last evaluated: 2023-08-17. Review status: criteria provided, single submitter. Criteria: Invitae Variant Classification Sherloc (09022015). Collection method: clinical testing. Allele origin: germline.
Comment: In summary, the available evidence is currently insufficient to determine the role of this variant in disease. Therefore, it has been classified as a Variant of Uncertain Significance. Algorithms developed to predict the effect of sequence changes on RNA splicing suggest that this variant may create or strengthen a splice site. An algorithm developed to predict the effect of missense changes on protein structure and function (PolyPhen-2) suggests that this variant is likely to be disruptive. ClinVar contains an entry for this variant (Variation ID: 2077367). This variant has not been reported in the literature in individuals affected with TPM2-related conditions. This variant is present in population databases (rs757545443, gnomAD 0.006%). This sequence change replaces serine, which is neutral and polar, with cysteine, which is neutral and slightly polar, at codon 188 of the TPM2 protein (p.Ser188Cys).

NM_003289.4(TPM2):c.562A>T (p.Ser188Cys)

Gene: TPM2 (tropomyosin 2; minus strand). Cytogenetic location: 9p13.3.
Variant type: single nucleotide variant.
Coding change: c.562A>T on transcript NM_003289.4 (MANE Select); coding-DNA position 562, A replaced by T.
Protein change: p.Ser188Cys; replaces serine 188 with cysteine.
Molecular consequence: missense variant.
Genome position (GRCh38, 1-based): chr9:35,685,270, T>A on the plus strand (A>T on the coding strand, the complement: TPM2 is on the minus strand). VCF-style: chr9-35685270-T-A. GRCh37 (hg19) VCF-style: chr9-35685267-T-A.
Other names: c.562A>T, p.Ser188Cys (NM_001301226.2, NM_001301227.2, NM_213674.1); short protein forms S188C.
Identifiers: ClinVar variation 2077367 (VCV002077367.4), dbSNP rs757545443, ClinGen allele CA5047330.
Genomic context (GRCh38, chr9:35,685,270, plus strand): 5'-CCACTGTGTGGAAGGCCCCAGGGCCAATGGGCTCACTTGTCACCCCCGGGTATCTTTACC[T>A]CTCGGCCACCTCAGCCCTCTCCTCCGAGCGCTCCAGCTCTCCTTCCAGGATCACCAGCTT-3'
Protein context (NP_003280.2, residues 178-198): RSEERAEVAE[Ser188Cys]KCGDLEEELK